The following is an entry in ClinVar:

ClinVar aggregate classification (germline): Conflicting classifications of pathogenicity. Review status: criteria provided, conflicting classifications (1 of 4 stars). 2 submissions from 2 submitters: Uncertain significance (1); Likely benign (1). Last evaluated 2022-10-20.

Conditions:
Hereditary pancreatitis (PCTT). Also called: Hereditary chronic pancreatitis; PRSS1-Related Hereditary Pancreatitis. Identifiers: Orphanet 676, MedGen C0238339, MONDO:0008185, OMIM 167800.

Allele frequency attached by ClinVar (database versions not stated): TOPMed 0.00007; 1000 Genomes Project 0.00020; 1000 Genomes Project 30x 0.00031.

Submissions (2):

Ambry Genetics
Classification: Likely benign for Hereditary pancreatitis. Last evaluated: 2022-10-20. Review status: criteria provided, single submitter. Criteria: Ambry Variant Classification Scheme 2023. Collection method: clinical testing. Allele origin: germline.

Labcorp Genetics (formerly Invitae), Labcorp
Classification: Uncertain significance. Last evaluated: 2020-03-18. Review status: criteria provided, single submitter. Criteria: Invitae Variant Classification Sherloc (09022015). Collection method: clinical testing. Allele origin: germline.
Comment: In summary, the available evidence is currently insufficient to determine the role of this variant in disease. Therefore, it has been classified as a Variant of Uncertain Significance. Algorithms developed to predict the effect of sequence changes on RNA splicing suggest that this variant may create or strengthen a splice site, but this prediction has not been confirmed by published transcriptional studies. Algorithms developed to predict the effect of missense changes on protein structure and function output the following: SIFT: "Tolerated"; PolyPhen-2: "Benign"; Align-GVGD: "Class C0". The serine amino acid residue is found in multiple mammalian species, suggesting that this missense change does not adversely affect protein function. These predictions have not been confirmed by published functional studies and their clinical significance is uncertain. This variant has not been reported in the literature in individuals with CPA1-related conditions. This variant is present in population databases (rs540251433, ExAC 0.02%). This sequence change replaces threonine with serine at codon 212 of the CPA1 protein (p.Thr212Ser). The threonine residue is weakly conserved and there is a small physicochemical difference between threonine and serine.

NM_001868.4(CPA1):c.635C>G (p.Thr212Ser)

Gene: CPA1 (carboxypeptidase A1; plus strand). Cytogenetic location: 7q32.2.
Variant type: single nucleotide variant.
Coding change: c.635C>G on transcript NM_001868.4 (MANE Select); coding-DNA position 635, C replaced by G.
Protein change: p.Thr212Ser; replaces threonine 212 with serine.
Molecular consequence: missense variant.
Genome position (GRCh38, 1-based): chr7:130,383,733, C>G. VCF-style: chr7-130383733-C-G. GRCh37 (hg19) VCF-style: chr7-130023574-C-G.
Other names: short protein forms T212S.
Identifiers: ClinVar variation 1002012 (VCV001002012.11), dbSNP rs540251433, ClinGen allele CA4484881.